The following is an entry in ClinVar:

NM_206933.4(USH2A):c.14133+5G>T

Gene: USH2A (usherin; minus strand). Cytogenetic location: 1q41.
Variant type: single nucleotide variant.
Coding change: c.14133+5G>T on transcript NM_206933.4 (MANE Select); 5 bases into the intron after coding-DNA position 14133, G replaced by T.
Molecular consequence: intron variant.
Genome position (GRCh38, 1-based): chr1:215,670,967, C>A on the plus strand (G>T on the coding strand, the complement: USH2A is on the minus strand). VCF-style: chr1-215670967-C-A. GRCh37 (hg19) VCF-style: chr1-215844309-C-A.
Identifiers: ClinVar variation 1339899 (VCV001339899.3), dbSNP rs2102661138, ClinGen allele CA2573051475.

ClinVar aggregate classification (germline): Likely pathogenic (1 of 4 stars; one submission).

Conditions:
USH2A-related disorder. Also called: USH2A-related disorders; USH2A-related condition. Identifiers: MedGen CN239332.

Allele frequency attached by ClinVar (database versions not stated): gnomAD exomes below 0.00001.
gnomAD v4.1: 1 of 1,613,938 alleles (0.000062%); highest among the groups gnomAD compares: Non-Finnish European, 0.000085%; no homozygotes.

Submission:

Blueprint Genetics
Classification: Likely pathogenic for USH2A-related disorders. Last evaluated: 2020-11-11. Review status: criteria provided, single submitter. Criteria: ACMG Guidelines, 2015. Collection method: clinical testing. Allele origin: germline. Affected: yes. Observed: 2 variant alleles.